The following is an entry in ClinVar:

NM_006767.4(LZTR1):c.1586A>T (p.Tyr529Phe)

Gene: LZTR1 (leucine zipper like post translational regulator 1; plus strand). Cytogenetic location: 22q11.21.
Variant type: single nucleotide variant.
Coding change: c.1586A>T on transcript NM_006767.4 (MANE Select); coding-DNA position 1586, A replaced by T.
Protein change: p.Tyr529Phe; replaces tyrosine 529 with phenylalanine.
Molecular consequence: missense variant.
Genome position (GRCh38, 1-based): chr22:20,994,240, A>T. VCF-style: chr22-20994240-A-T. GRCh37 (hg19) VCF-style: chr22-21348529-A-T.
Other names: short protein forms Y529F.
Identifiers: ClinVar variation 3238105 (VCV003238105.1), dbSNP rs1267756541.
Genomic context (GRCh38, chr22:20,994,240, plus strand): 5'-TGCACGTGGCCATCCGGGAGGCCGAGGCCCGGCCCTTCGAGGTGCTCATGCAGTTCCTCT[A>T]CACCGACAAGATCAAATACCCACGGAAAGGTCCGCCTGGGTGGGGGTGGAGCAGGGTTGG-3'
Protein context (NP_006758.2, residues 519-539): RPFEVLMQFL[Tyr529Phe]TDKIKYPRKG

ClinVar aggregate classification (germline): Uncertain significance (1 of 4 stars; one submission).

Conditions:
Hereditary cancer-predisposing syndrome. Also called: Neoplastic Syndromes, Hereditary; Tumor predisposition; Hereditary neoplastic syndrome; Hereditary Cancer Syndrome. Identifiers: Orphanet 140162, MedGen C0027672, MeSH D009386, MONDO:0015356.
Cardiovascular phenotype. Identifiers: MedGen CN230736.

Submission:

Ambry Genetics
Classification: Uncertain significance for Cardiovascular phenotype; Hereditary cancer-predisposing syndrome. Last evaluated: 2023-07-17. Review status: criteria provided, single submitter. Criteria: Ambry Variant Classification Scheme 2023. Collection method: clinical testing. Allele origin: germline.
Comment: The p.Y529F variant (also known as c.1586A>T), located in coding exon 14 of the LZTR1 gene, results from an A to T substitution at nucleotide position 1586. The tyrosine at codon 529 is replaced by phenylalanine, an amino acid with highly similar properties. This amino acid position is conserved. In addition, the in silico prediction for this alteration is inconclusive. Since supporting evidence is limited at this time, the clinical significance of this alteration remains unclear.